The following is an entry in ClinVar:

NM_001365951.3(KIF1B):c.5177G>A (p.Arg1726His)

Gene: KIF1B (kinesin family member 1B; plus strand). Cytogenetic location: 1p36.22.
Variant type: single nucleotide variant.
Coding change: c.5177G>A on transcript NM_001365951.3 (MANE Select); coding-DNA position 5177, G replaced by A.
Protein change: p.Arg1726His; replaces arginine 1726 with histidine.
Molecular consequence: missense variant.
Genome position (GRCh38, 1-based): chr1:10,374,934, G>A. VCF-style: chr1-10374934-G-A. GRCh37 (hg19) VCF-style: chr1-10434992-G-A.
Other names: c.5177G>A, p.Arg1726His (NM_001365952.1); c.5039G>A, p.Arg1680His (NM_015074.3); short protein forms R1680H, R1726H.
Identifiers: ClinVar variation 1052473 (VCV001052473.28), dbSNP rs778439251, ClinGen allele CA582281.

ClinVar aggregate classification (germline): Uncertain significance. Review status: criteria provided, multiple submitters, no conflicts (2 of 4 stars). 3 submissions from 3 submitters: Uncertain significance (3). Last evaluated 2024-09-08.

Conditions:
Charcot-Marie-Tooth disease type 2. Also called: Charcot-Marie-Tooth type 2. Identifiers: Orphanet 64746, MedGen C0270914, MONDO:0018993.

Allele frequency attached by ClinVar (database versions not stated): gnomAD 0.00001; TOPMed 0.00001.
gnomAD v4.1: 30 of 1,613,938 alleles (0.0019%); highest among the groups gnomAD compares: South Asian, 0.0044%; no homozygotes.

Submissions (3):

Ambry Genetics
Classification: Uncertain significance. Last evaluated: 2024-09-08. Review status: criteria provided, single submitter. Criteria: Ambry Variant Classification Scheme 2023. Collection method: clinical testing. Allele origin: germline.

Labcorp Genetics (formerly Invitae), Labcorp
Classification: Uncertain significance for Charcot-Marie-Tooth disease type 2. Last evaluated: 2024-08-19. Review status: criteria provided, single submitter. Criteria: Invitae Variant Classification Sherloc (09022015). Collection method: clinical testing. Allele origin: germline.
Comment: This sequence change replaces arginine, which is basic and polar, with histidine, which is basic and polar, at codon 1680 of the KIF1B protein (p.Arg1680His). This variant is present in population databases (rs778439251, gnomAD 0.01%). This variant has not been reported in the literature in individuals affected with KIF1B-related conditions. ClinVar contains an entry for this variant (Variation ID: 1052473). An algorithm developed to predict the effect of missense changes on protein structure and function (PolyPhen-2) suggests that this variant is likely to be disruptive. In summary, the available evidence is currently insufficient to determine the role of this variant in disease. Therefore, it has been classified as a Variant of Uncertain Significance.

CeGaT Center for Human Genetics Tuebingen
Classification: Uncertain significance. Last evaluated: 2024-08-01. Review status: criteria provided, single submitter. Criteria: CeGaT Center For Human Genetics Tuebingen Variant Classification Criteria Version 2. Collection method: clinical testing. Allele origin: germline. Affected: yes. Observed: 1 variant allele.
Comment: KIF1B: PP3